The following is an entry in ClinVar:

NM_152424.4(AMER1):c.2644C>A (p.Pro882Thr)

Gene: AMER1 (APC membrane recruitment protein 1; minus strand). Cytogenetic location: Xq11.2.
Variant type: single nucleotide variant.
Coding change: c.2644C>A on transcript NM_152424.4 (MANE Select); coding-DNA position 2644, C replaced by A.
Protein change: p.Pro882Thr; replaces proline 882 with threonine.
Molecular consequence: missense variant.
Genome position (GRCh38, 1-based): chrX:64,190,643, G>T on the plus strand (C>A on the coding strand, the complement: AMER1 is on the minus strand). VCF-style: chrX-64190643-G-T. GRCh37 (hg19) VCF-style: chrX-63410523-G-T.
Other names: short protein forms P882T.
Identifiers: ClinVar variation 2444551 (VCV002444551.1), dbSNP rs2147085620, ClinGen allele CA413302502.

ClinVar aggregate classification (germline): Uncertain significance (1 of 4 stars; one submission).

Submission:

GeneDx
Classification: Uncertain significance. Last evaluated: 2022-09-16. Review status: criteria provided, single submitter. Criteria: GeneDx Variant Classification Process June 2021. Collection method: clinical testing. Allele origin: germline. Affected: yes.
Comment: Not observed at significant frequency in large population cohorts (gnomAD); In silico analysis supports that this missense variant does not alter protein structure/function; Has not been previously published as pathogenic or benign to our knowledge